The following is an entry in ClinVar:

NM_013382.7(POMT2):c.763C>G (p.Leu255Val)

Gene: POMT2 (protein O-mannosyltransferase 2; minus strand). Cytogenetic location: 14q24.3.
Variant type: single nucleotide variant.
Coding change: c.763C>G on transcript NM_013382.7 (MANE Select); coding-DNA position 763, C replaced by G.
Protein change: p.Leu255Val; replaces leucine 255 with valine.
Molecular consequence: missense variant.
Genome position (GRCh38, 1-based): chr14:77,301,143, G>C on the plus strand (C>G on the coding strand, the complement: POMT2 is on the minus strand). VCF-style: chr14-77301143-G-C. GRCh37 (hg19) VCF-style: chr14-77767486-G-C.
Other names: short protein forms L255V.
Identifiers: ClinVar variation 847276 (VCV000847276.7), dbSNP rs1048633441, ClinGen allele CA263837420.

ClinVar aggregate classification (germline): Uncertain significance (1 of 4 stars; one submission).

Conditions:
Muscular dystrophy-dystroglycanopathy (congenital with brain and eye anomalies), type A2. Also called: MUSCULAR DYSTROPHY-DYSTROGLYCANOPATHY (CONGENITAL WITH BRAIN AND EYE ANOMALIES), TYPE A, 2; WALKER-WARBURG SYNDROME OR MUSCLE-EYE-BRAIN DISEASE, POMT2-RELATED. Identifiers: Orphanet 588, Orphanet 899, MedGen C3150411, MONDO:0013154, OMIM 613150.
Muscular dystrophy-dystroglycanopathy (congenital with impaired intellectual development), type B, 2. Also called: MUSCULAR DYSTROPHY, CONGENITAL, POMT2-RELATED; Muscular dystrophy-dystroglycanopathy (congenital with intellectual disability), type B2. Identifiers: MedGen C3150416, MONDO:0013160, OMIM 613156.
Autosomal recessive limb-girdle muscular dystrophy type 2N. Also called: MUSCULAR DYSTROPHY-DYSTROGLYCANOPATHY, LIMB-GIRDLE, POMT2-RELATED; Muscular dystrophy-dystroglycanopathy (limb-girdle), type C, 2. Identifiers: Orphanet 206559, MedGen C3150418, MONDO:0013162, OMIM 613158.

Allele frequency attached by ClinVar (database versions not stated): gnomAD exomes below 0.00001.
gnomAD v4.1: 3 of 1,614,224 alleles (0.00019%); highest among the groups gnomAD compares: Non-Finnish European, 0.00025%; no homozygotes.

Submission:

Labcorp Genetics (formerly Invitae), Labcorp
Classification: Uncertain significance for Muscular dystrophy-dystroglycanopathy (congenital with impaired intellectual development), type B, 2; Muscular dystrophy-dystroglycanopathy (congenital with brain and eye anomalies), type A2; Autosomal recessive limb-girdle muscular dystrophy type 2N. Last evaluated: 2022-07-11. Review status: criteria provided, single submitter. Criteria: Invitae Variant Classification Sherloc (09022015). Collection method: clinical testing. Allele origin: germline.
Comment: This sequence change replaces leucine, which is neutral and non-polar, with valine, which is neutral and non-polar, at codon 255 of the POMT2 protein (p.Leu255Val). This variant is not present in population databases (gnomAD no frequency). This variant has not been reported in the literature in individuals affected with POMT2-related conditions. ClinVar contains an entry for this variant (Variation ID: 847276). Algorithms developed to predict the effect of missense changes on protein structure and function (SIFT, PolyPhen-2, Align-GVGD) all suggest that this variant is likely to be tolerated. In summary, the available evidence is currently insufficient to determine the role of this variant in disease. Therefore, it has been classified as a Variant of Uncertain Significance.